The following is an entry in ClinVar:

ClinVar aggregate classification (germline): Uncertain significance (1 of 4 stars; one submission).

Conditions:
HERC1-related disorder. Also called: HERC1-related condition.

gnomAD v4.1: 33 of 1,613,888 alleles (0.002%); highest among the groups gnomAD compares: Non-Finnish European, 0.0025%; no homozygotes.

Submission:

PreventionGenetics, part of Exact Sciences
Classification: Uncertain significance for HERC1-related condition. Last evaluated: 2025-01-05. Review status: criteria provided, single submitter. Criteria: ACMG Guidelines, 2015. Collection method: clinical testing. Allele origin: germline.
Comment: The HERC1 c.710C>A variant is predicted to result in the amino acid substitution p.Ser237Tyr. To our knowledge, this variant has not been reported in the literature. This variant is reported in 0.0031% of alleles in individuals of European (Non-Finnish) descent in gnomAD. At this time, the clinical significance of this variant is uncertain due to the absence of conclusive functional and genetic evidence.

NM_003922.4(HERC1):c.710C>A (p.Ser237Tyr)

Gene: HERC1 (HECT and RLD domain containing E3 ubiquitin protein ligase family member 1; minus strand). Cytogenetic location: 15q22.31.
Variant type: single nucleotide variant.
Coding change: c.710C>A on transcript NM_003922.4 (MANE Select); coding-DNA position 710, C replaced by A.
Protein change: p.Ser237Tyr; replaces serine 237 with tyrosine.
Molecular consequence: missense variant.
Genome position (GRCh38, 1-based): chr15:63,774,914, G>T on the plus strand (C>A on the coding strand, the complement: HERC1 is on the minus strand). VCF-style: chr15-63774914-G-T. GRCh37 (hg19) VCF-style: chr15-64067113-G-T.
Other names: short protein forms S237Y.
Identifiers: ClinVar variation 4987195 (VCV004987195.1).